The following is an entry in ClinVar:

ClinVar aggregate classification (germline): Uncertain significance. Review status: criteria provided, multiple submitters, no conflicts (2 of 4 stars). 2 submissions from 2 submitters: Uncertain significance (2). Last evaluated 2024-03-18.

Allele frequency attached by ClinVar (database versions not stated): gnomAD exomes below 0.00001.

Submissions (2):

Labcorp Genetics (formerly Invitae), Labcorp
Classification: Uncertain significance. Last evaluated: 2024-03-18. Review status: criteria provided, single submitter. Criteria: Invitae Variant Classification Sherloc (09022015). Collection method: clinical testing. Allele origin: germline.
Comment: This sequence change replaces glutamic acid, which is acidic and polar, with glycine, which is neutral and non-polar, at codon 84 of the SEPT9 protein (p.Glu84Gly). This variant is not present in population databases (gnomAD no frequency). This variant has not been reported in the literature in individuals affected with SEPT9-related conditions. ClinVar contains an entry for this variant (Variation ID: 1305672). Advanced modeling of protein sequence and biophysical properties (such as structural, functional, and spatial information, amino acid conservation, physicochemical variation, residue mobility, and thermodynamic stability) performed at Invitae indicates that this missense variant is not expected to disrupt SEPT9 protein function with a negative predictive value of 80%. In summary, the available evidence is currently insufficient to determine the role of this variant in disease. Therefore, it has been classified as a Variant of Uncertain Significance.

GeneDx
Classification: Uncertain significance. Last evaluated: 2019-05-07. Review status: criteria provided, single submitter. Criteria: GeneDx Variant Classification Process June 2021. Collection method: clinical testing. Allele origin: germline. Affected: yes.
Comment: Not observed in large population cohorts (Lek et al., 2016); In silico analysis, which includes protein predictors and evolutionary conservation, supports that this variant does not alter protein structure/function; Has not been previously published as pathogenic or benign to our knowledge

NM_001113491.2(SEPTIN9):c.305A>G (p.Glu102Gly)

Gene: SEPTIN9 (septin 9; plus strand). Cytogenetic location: 17q25.3.
Variant type: single nucleotide variant.
Coding change: c.305A>G on transcript NM_001113491.2 (MANE Select); coding-DNA position 305, A replaced by G.
Protein change: p.Glu102Gly; replaces glutamic acid 102 with glycine.
Molecular consequence: missense variant. On other transcripts: 5 prime UTR variant (2).
Genome position (GRCh38, 1-based): chr17:77,402,287, A>G. VCF-style: chr17-77402287-A-G. GRCh37 (hg19) VCF-style: chr17-75398369-A-G.
Other names: c.-188A>G (NM_001113492.2, NM_001113494.1); c.284A>G, p.Glu95Gly (NM_001113493.2); c.248A>G, p.Glu83Gly (NM_001293695.2); c.251A>G, p.Glu84Gly (NM_006640.5); short protein forms E102G, E83G, E84G, E95G.
Identifiers: ClinVar variation 1305672 (VCV001305672.4), dbSNP rs2144099079, ClinGen allele CA401205902.
Genomic context (GRCh38, chr17:77,402,287, plus strand): 5'-GCCAACGCTCCCCCAAGGCGTCCCTGCGGAGGGTGGAGCTCTCGGGCCCCAAGGCGGCCG[A>G]GCCGGTGTCCCGGCGCACTGAGCTGTCCATTGACATCTCGTCCAAGCAGGTGGAGAACGC-3'
Protein context (NP_001106963.1, residues 92-112): RVELSGPKAA[Glu102Gly]PVSRRTELSI